The following is an entry in ClinVar:

NM_130837.3(OPA1):c.1389dup (p.Gly464fs)

Gene: OPA1 (OPA1 mitochondrial dynamin like GTPase; plus strand). Cytogenetic location: 3q29.
Variant type: Duplication.
Coding change: c.1389dup on transcript NM_130837.3 (MANE Select); coding-DNA position 1389, one base duplicated (A; older notation c.1389dupA).
Protein change: p.Gly464fs; shifts the reading frame from glycine 464.
Molecular consequence: frameshift variant.
Genome position (GRCh38, 1-based): chr3:193,643,539, A duplicated. VCF-style (leftmost placement, unchanged base first): chr3-193643538-C-CA. GRCh37 (hg19) VCF-style: chr3-193361327-C-CA.
Other names: c.855dup, p.Gly286fs (NM_001354663.2); c.852dup, p.Gly285fs (NM_001354664.2); c.1224dup, p.Gly409fs (NM_015560.3); c.1116dup, p.Gly373fs (NM_130831.3); c.1170dup, p.Gly391fs (NM_130832.3); c.1227dup, p.Gly410fs (NM_130833.3); c.1278dup, p.Gly427fs (NM_130834.3); c.1281dup, p.Gly428fs (NM_130835.3); and 1 more; short protein forms G285fs, G373fs, G410fs, G428fs, G446fs, G286fs, G391fs, G427fs.
Identifiers: ClinVar variation 500848 (VCV000500848.13), dbSNP rs1553877912, ClinGen allele CA658796408.

ClinVar aggregate classification (germline): Pathogenic/Likely pathogenic. Review status: criteria provided, multiple submitters, no conflicts (2 of 4 stars). 5 submissions from 5 submitters: Pathogenic (4); Likely pathogenic (1). Last evaluated 2026-01-27.

Conditions:
OPA1-related disorder. Also called: OPA1-related condition; OPA1-related disorders.
Abortive cerebellar ataxia (BEHRS). Also called: OPTIC ATROPHY, INFANTILE HEREDITARY, WITH NEUROLOGIC ABNORMALITIES; Behr syndrome. Identifiers: Orphanet 1239, MedGen C0221061, MONDO:0008858, OMIM 210000.
Optic atrophy with or without deafness, ophthalmoplegia, myopathy, ataxia, and neuropathy. Also called: OPTIC ATROPHY PLUS SYNDROME. Identifiers: MedGen C3276549, MONDO:0007429, OMIM 125250.
Autosomal dominant optic atrophy classic form (OPA1). Also called: Optic Atrophy Type 1; KJER-TYPE OPTIC ATROPHY; OPTIC ATROPHY, JUVENILE. Identifiers: Orphanet 98673, MedGen C0338508, MONDO:0008134, OMIM 165500.
Mitochondrial DNA depletion syndrome 14B (cardioencephalomyopathic type). Also called: Mitochondrial DNA depletion syndrome 14 (encephalocardiomyopathic type); Mitochondrial DNA depletion syndrome 14 (cardioencephalomyopathic type). Identifiers: MedGen C6065890, MONDO:0014820, OMIM 616896.

Submissions (5):

Labcorp Genetics (formerly Invitae), Labcorp
Classification: Pathogenic. Last evaluated: 2026-01-27. Review status: criteria provided, single submitter. Criteria: Invitae Variant Classification Sherloc (09022015). Collection method: clinical testing. Allele origin: germline.
Comment: This sequence change creates a premature translational stop signal (p.Gly409Argfs*5) in the OPA1 gene. It is expected to result in an absent or disrupted protein product. Loss-of-function variants in OPA1 are known to be pathogenic (PMID: 11440988, 20157015, 20952381, 25012220). This variant is not present in population databases (gnomAD no frequency). This variant has not been reported in the literature in individuals affected with OPA1-related conditions. ClinVar contains an entry for this variant (Variation ID: 500848). For these reasons, this variant has been classified as Pathogenic.

GeneDx
Classification: Pathogenic. Last evaluated: 2024-04-23. Review status: criteria provided, single submitter. Criteria: GeneDx Variant Classification Process June 2021. Collection method: clinical testing. Allele origin: germline. Affected: yes.
Comment: Frameshift variant predicted to result in protein truncation or nonsense mediated decay in a gene for which loss-of-function is a known mechanism of disease; Not observed at significant frequency in large population cohorts (gnomAD); Has not been previously published as pathogenic or benign to our knowledge

Blueprint Genetics
Classification: Likely pathogenic for OPA1-related disorders. Last evaluated: 2021-09-23. Review status: criteria provided, single submitter. Criteria: ACMG Guidelines, 2015. Collection method: clinical testing. Allele origin: germline. Affected: yes. Observed: 1 variant allele.

Athena Diagnostics
Classification: Pathogenic. Last evaluated: 2020-07-24. Review status: criteria provided, single submitter. Criteria: Athena Diagnostics Criteria. Collection method: clinical testing. Allele origin: unknown.
Comment: The variant results in a shift of the reading frame, and is therefore predicted to result in the loss of a functional protein. Found in at least one patient with expected phenotype for this gene, and not found in general population data.

Eurofins Ntd Llc (ga)
Classification: Pathogenic. Last evaluated: 2017-03-22. Review status: criteria provided, single submitter. Criteria: EGL Classification Definitions 2015. Collection method: clinical testing. Allele origin: germline. Observed: 1 variant allele, 1 heterozygote.

Literature cited by the submitters: PubMed 11440988 (cited by Labcorp Genetics (formerly Invitae), Labcorp); PubMed 20157015 (cited by Labcorp Genetics (formerly Invitae), Labcorp); PubMed 20952381 (cited by Labcorp Genetics (formerly Invitae), Labcorp); PubMed 25012220 (cited by Labcorp Genetics (formerly Invitae), Labcorp).